The following is an entry in ClinVar:

NM_145239.3(PRRT2):c.641C>G (p.Ala214Gly)

Genes: MVP-DT (MVP divergent transcript; minus strand), PRRT2 (proline rich transmembrane protein 2; plus strand). Cytogenetic location: 16p11.2.
Variant type: single nucleotide variant.
Coding change: c.641C>G on transcript NM_145239.3 (MANE Select); coding-DNA position 641, C replaced by G.
Protein change: p.Ala214Gly; replaces alanine 214 with glycine.
Molecular consequence: missense variant.
Genome position (GRCh38, 1-based): chr16:29,813,695, C>G. VCF-style: chr16-29813695-C-G. GRCh37 (hg19) VCF-style: chr16-29825016-C-G.
Other names: c.641C>G (NM_145239.2); c.641C>G, p.Ala214Gly (NM_001256442.2, NM_001256443.2); short protein forms A214G.
Identifiers: ClinVar variation 1040838 (VCV001040838.13), dbSNP rs1299324384, ClinGen allele CA395479158.

ClinVar aggregate classification (germline): Uncertain significance. Review status: criteria provided, multiple submitters, no conflicts (2 of 4 stars). 2 submissions from 2 submitters: Uncertain significance (2). Last evaluated 2022-07-19.

Conditions:
Inborn genetic diseases. Identifiers: MedGen C0950123, MeSH D030342.
Episodic kinesigenic dyskinesia (EKD). Also called: Paroxysmal kinesigenic dyskinesia. Identifiers: Orphanet 98809, MedGen C1868682, MONDO:0044202.

Allele frequency attached by ClinVar (database versions not stated): gnomAD 0.00001; TOPMed 0.00001.
gnomAD v4.1: 5 of 972,604 alleles (0.00051%); highest among the groups gnomAD compares: Non-Finnish European, 0.00072%; no homozygotes.

Submissions (2):

Labcorp Genetics (formerly Invitae), Labcorp
Classification: Uncertain significance for Episodic kinesigenic dyskinesia. Last evaluated: 2022-07-19. Review status: criteria provided, single submitter. Criteria: Invitae Variant Classification Sherloc (09022015). Collection method: clinical testing. Allele origin: germline.
Comment: In summary, the available evidence is currently insufficient to determine the role of this variant in disease. Therefore, it has been classified as a Variant of Uncertain Significance. Algorithms developed to predict the effect of missense changes on protein structure and function are either unavailable or do not agree on the potential impact of this missense change (SIFT: "Deleterious"; PolyPhen-2: "Probably Damaging"; Align-GVGD: "Class C0"). ClinVar contains an entry for this variant (Variation ID: 1040838). This variant has not been reported in the literature in individuals affected with PRRT2-related conditions. This variant is not present in population databases (gnomAD no frequency). This sequence change replaces alanine, which is neutral and non-polar, with glycine, which is neutral and non-polar, at codon 214 of the PRRT2 protein (p.Ala214Gly).

Ambry Genetics
Classification: Uncertain significance for Inborn genetic diseases. Last evaluated: 2021-09-01. Review status: criteria provided, single submitter. Criteria: Ambry Variant Classification Scheme 2023. Collection method: clinical testing. Allele origin: germline.